The following is an entry in ClinVar:

ClinVar aggregate classification (germline): Uncertain significance (1 of 4 stars; one submission).

Submission:

Labcorp Genetics (formerly Invitae), Labcorp
Classification: Uncertain significance. Last evaluated: 2022-09-03. Review status: criteria provided, single submitter. Criteria: Invitae Variant Classification Sherloc (09022015). Collection method: clinical testing. Allele origin: germline.
Comment: In summary, the available evidence is currently insufficient to determine the role of this variant in disease. Therefore, it has been classified as a Variant of Uncertain Significance. Experimental studies and prediction algorithms are not available or were not evaluated, and the functional significance of this variant is currently unknown. This variant has not been reported in the literature in individuals affected with CHD3-related conditions. The frequency data for this variant in the population databases is considered unreliable, as metrics indicate poor data quality at this position in the gnomAD database. This variant, c.2284_2286dup, results in the insertion of 1 amino acid(s) of the CHD3 protein (p.Lys762dup), but otherwise preserves the integrity of the reading frame.

NM_001005273.3(CHD3):c.2095AAG[6] (p.Lys703_Glu704insLys)

Gene: CHD3 (chromodomain helicase DNA binding protein 3; plus strand). Cytogenetic location: 17p13.1.
Variant type: Microsatellite.
Coding change: c.2095AAG[6] on transcript NM_001005273.3 (MANE Select); six copies in a row of the 3-base unit AAG starting at c.2095; the reference has five copies in a row; one copy, 3 bases duplicated.
Protein change: p.Lys703_Glu704insLys.
Molecular consequence: inframe insertion.
Genome position (GRCh38, 1-based): chr17:7,898,551-7,898,553, AAG duplicated; duplicating any 3 consecutive bases within chr17:7,898,539-7,898,553 gives the same sequence; the position shown is the placement nearest the transcript's 3' end. VCF-style (leftmost placement, unchanged base first): chr17-7898538-T-TAAG. GRCh37 (hg19) VCF-style: chr17-7801856-T-TAAG.
Other names: c.2272AAG[6], p.Lys762_Glu763insLys (NM_001005271.3); c.2095AAG[6], p.Lys703_Glu704insLys (NM_005852.4).
Identifiers: ClinVar variation 2096277 (VCV002096277.4), dbSNP rs765034008, ClinGen allele CA8362811.